The following is an entry in ClinVar:

ClinVar aggregate classification (germline): Pathogenic (1 of 4 stars; one submission).

Conditions:
Neurofibromatosis, type 1 (NF1). Also called: VON RECKLINGHAUSEN DISEASE; Peripheral type neurofibromatosis; NEUROFIBROMATOSIS, TYPE I, SOMATIC; Neurofibromatosis, type I. Identifiers: Orphanet 636, MedGen C0027831, MONDO:0018975, OMIM 162200. Disease mechanism: loss of function.

Submission:

Labcorp Genetics (formerly Invitae), Labcorp
Classification: Pathogenic for Neurofibromatosis, type 1. Last evaluated: 2020-07-28. Review status: criteria provided, single submitter. Criteria: Invitae Variant Classification Sherloc (09022015). Collection method: clinical testing. Allele origin: germline.
Comment: This variant is not present in population databases (ExAC no frequency). For these reasons, this variant has been classified as Pathogenic. Loss-of-function variants in NF1 are known to be pathogenic (PMID: 10712197, 23913538). This variant has not been reported in the literature in individuals with NF1-related conditions. This sequence change creates a premature translational stop signal (p.Pro1323Leufs*4) in the NF1 gene. It is expected to result in an absent or disrupted protein product.

Literature cited by the submitters: PubMed 10712197; PubMed 23913538.

NM_001042492.3(NF1):c.3968del (p.Pro1323fs)

Gene: NF1 (neurofibromin 1; plus strand). Cytogenetic location: 17q11.2.
Variant type: Deletion.
Coding change: c.3968del on transcript NM_001042492.3 (MANE Select); coding-DNA position 3968, one base deleted (C; older notation c.3968delC).
Protein change: p.Pro1323fs; shifts the reading frame from proline 1323.
Molecular consequence: frameshift variant.
Genome position (GRCh38, 1-based): chr17:31,236,015, C deleted; the last of 2 consecutive C bases (chr17:31,236,014-31,236,015); deleting either gives the same sequence. VCF-style (leftmost placement, unchanged base first): chr17-31236013-TC-T. GRCh37 (hg19) VCF-style: chr17-29563031-TC-T.
Other names: c.3968delC, p.Pro1323Leufs (NM_000267.4); short protein forms P1323fs.
Identifiers: ClinVar variation 1070804 (VCV001070804.5), dbSNP rs2151438695, ClinGen allele CA2499224119.
Genomic context (GRCh38, chr17:31,236,013, plus strand): 5'-TCCTTTATTACGAATTGTGATCACATCCTCTGATTGGCAACATGTTAGCTTTGAAGTGGA[TC>T]CTACCAGGTTTGTCATCTTTTCACATAGAACCGCTGTTTTTTGTTTTTTTTTTTTTGTTT-3'